The following is an entry in ClinVar:

ClinVar aggregate classification (germline): Likely benign. Review status: criteria provided, multiple submitters, no conflicts (2 of 4 stars). 4 submissions from 4 submitters: Likely benign (4). Last evaluated 2026-01-29.

Conditions:
PCDH15-related disorder. Also called: PCDH15-related disorders; PCDH15-related condition.

Allele frequency attached by ClinVar (database versions not stated): ExAC 0.00003; gnomAD 0.00003; gnomAD exomes 0.00004; TOPMed 0.00009; ESP Exome Variant Server 0.00015.
gnomAD v4.1: 91 of 1,613,752 alleles (0.0056%); highest among the groups gnomAD compares: Non-Finnish European, 0.0071%; no homozygotes.

Submissions (4):

PreventionGenetics, part of Exact Sciences
Classification: Likely benign for PCDH15-related condition. Last evaluated: 2026-01-29. Review status: criteria provided, single submitter. Criteria: ACMG Guidelines, 2015. Collection method: clinical testing. Allele origin: germline.
Comment: This variant is classified as likely benign based on ACMG/AMP sequence variant interpretation guidelines (Richards et al. 2015 PMID: 25741868, with internal and published modifications).

Labcorp Genetics (formerly Invitae), Labcorp
Classification: Likely benign. Last evaluated: 2026-01-09. Review status: criteria provided, single submitter. Criteria: Invitae Variant Classification Sherloc (09022015). Collection method: clinical testing. Allele origin: germline.

Blueprint Genetics
Classification: Likely benign. Last evaluated: 2022-04-04. Review status: criteria provided, single submitter. Criteria: ACMG Guidelines, 2015. Collection method: clinical testing. Allele origin: germline.

Women's Health and Genetics/Laboratory Corporation of America, LabCorp
Classification: Likely benign. Last evaluated: 2019-08-29. Review status: criteria provided, single submitter. Criteria: LabCorp Variant Classification Summary - May 2015. Collection method: clinical testing. Allele origin: germline.

NM_001384140.1(PCDH15):c.2799G>C (p.Gly933=)

Gene: PCDH15 (protocadherin related 15; minus strand). Cytogenetic location: 10q21.1.
Variant type: single nucleotide variant.
Coding change: c.2799G>C on transcript NM_001384140.1 (MANE Select); coding-DNA position 2799, G replaced by C.
Protein change: p.Gly933=; no amino-acid change (glycine 933 retained).
Molecular consequence: synonymous variant.
Genome position (GRCh38, 1-based): chr10:53,995,718, C>G on the plus strand (G>C on the coding strand, the complement: PCDH15 is on the minus strand). VCF-style: chr10-53995718-C-G. GRCh37 (hg19) VCF-style: chr10-55755478-C-G.
Other names: c.2814G>C, p.Gly938= (NM_001142763.2, NM_001142771.2); c.2799G>C, p.Gly933= (NM_001142764.2, NM_001142766.2, NM_001142770.3 and 5 more transcripts); c.2586G>C, p.Gly862= (NM_001142765.2); c.2688G>C, p.Gly896= (NM_001142767.2); c.2733G>C, p.Gly911= (NM_001142768.2, NM_001142773.2, NM_001354404.2); c.2835G>C, p.Gly945= (NM_001142769.4); c.2820G>C, p.Gly940= (NM_001354411.2).
Identifiers: ClinVar variation 496490 (VCV000496490.12), dbSNP rs139853291, ClinGen allele CA5505922.
Genomic context (GRCh38, chr10:53,995,718, plus strand): 5'-TGCATCTTCAGCATAAACTGTTGTGATAGGTGTACCCTTGACTGCATCCGGAGCCACCAT[C>G]CCTTTGTATATTCGTTTACTAAAGACAGGAGGATAATCATTCATATCCTGTAAAACACAA-3'
Protein context (NP_001371069.1, residues 923-943): PPVFSKRIYK[Gly933=]MVAPDAVKGT